The following is an entry in ClinVar:

ClinVar aggregate classification (germline): Likely pathogenic. Review status: criteria provided, multiple submitters, no conflicts (2 of 4 stars). 2 submissions from 2 submitters: Likely pathogenic (2). Last evaluated 2026-01-20.

Conditions:
Deficiency of UDPglucose-hexose-1-phosphate uridylyltransferase. Also called: GALACTOSE-1-PHOSPHATE URIDYLYLTRANSFERASE DEFICIENCY; GALT deficiency; Galactosemia, classic; GALACTOSEMIA I; Transferase Deficiency Galactosemia. Identifiers: Orphanet 352, Orphanet 79239, MedGen C0268151, MONDO:0009258, OMIM 230400.
Galactosemia. Also called: Galactose intolerance. Identifiers: Orphanet 352, MedGen C0016952, MONDO:0018116, HP:0004919. Disease mechanism: loss of function.

Submissions (2):

Natera, Inc.
Classification: Likely pathogenic for Galactosemia. Last evaluated: 2026-01-20. Review status: criteria provided, single submitter. Criteria: Natera Variant Classification Schema (03/2026). Collection method: clinical testing. Allele origin: germline.
Comment: The c.28C>T variant in GALT is a nonsense variant predicted to introduce a stop codon at amino acid 10. This variant is expected to result in nonsense mediated decay, truncation, or a dysfunctional protein product. This variant is rare in the general population with a frequency below the threshold expected for the associated phenotype(s). Given the available evidence, this variant is classified as Likely Pathogenic.

Baylor Genetics
Classification: Likely pathogenic for Deficiency of UDPglucose-hexose-1-phosphate uridylyltransferase. Last evaluated: 2024-02-27. Review status: criteria provided, single submitter. Criteria: ACMG Guidelines, 2015. Collection method: clinical testing. Allele origin: unknown.

NM_000155.4(GALT):c.28C>T (p.Gln10Ter)

Gene: GALT (galactose-1-phosphate uridylyltransferase; plus strand). Cytogenetic location: 9p13.3.
Variant type: single nucleotide variant.
Coding change: c.28C>T on transcript NM_000155.4 (MANE Select); coding-DNA position 28, C replaced by T.
Protein change: p.Gln10Ter; replaces glutamine 10 with a stop codon.
Molecular consequence: nonsense. On other transcripts: 5 prime UTR variant (1).
Genome position (GRCh38, 1-based): chr9:34,646,732, C>T. VCF-style: chr9-34646732-C-T. GRCh37 (hg19) VCF-style: chr9-34646729-C-T.
Other names: c.28C>T (NM_000155.3); c.-175C>T (NM_001258332.2); short protein forms Q10*.
Identifiers: ClinVar variation 3241673 (VCV003241673.2), dbSNP rs2492858066.